The following is an entry in ClinVar:

NM_000169.3(GLA):c.404C>T (p.Ala135Val)

Genes: GLA (galactosidase alpha; minus strand), RPL36A-HNRNPH2 (RPL36A-HNRNPH2 readthrough; plus strand). Cytogenetic location: Xq22.1.
Variant type: single nucleotide variant.
Coding change: c.404C>T on transcript NM_000169.3 (MANE Select); coding-DNA position 404, C replaced by T.
Protein change: p.Ala135Val; replaces alanine 135 with valine.
Molecular consequence: missense variant. On other transcripts: non-coding transcript variant (3), intron variant (2).
Genome position (GRCh38, 1-based): chrX:101,401,775, G>A on the plus strand (C>T on the coding strand, the complement: GLA is on the minus strand). VCF-style: chrX-101401775-G-A. GRCh37 (hg19) VCF-style: chrX-100656763-G-A.
Other names: c.527C>T, p.Ala176Val (NM_001406747.1, NM_001406749.1); c.404C>T, p.Ala135Val (NM_001406748.1); c.300+6318G>A (NM_001199973.2); c.177+9953G>A (NM_001199974.2); short protein forms A135V, A176V.
Identifiers: ClinVar variation 632837 (VCV000632837.14), dbSNP rs1569304221, ClinGen allele CA413930548.

ClinVar aggregate classification (germline): Pathogenic. Review status: criteria provided, multiple submitters, no conflicts (2 of 4 stars). 4 submissions from 4 submitters: Pathogenic (4). Last evaluated 2026-09-08.

Conditions:
Fabry disease. Also called: Angiokeratoma corporis diffusum; Ceramide trihexosidosis; Fabry's disease; ALPHA-GALACTOSIDASE A DEFICIENCY; ANDERSON-FABRY DISEASE; CERAMIDE TRIHEXOSIDASE DEFICIENCY. Identifiers: Orphanet 324, MedGen C0002986, MONDO:0010526, OMIM 301500, HP:0001071. Disease mechanism: loss of function, Fabry disease is due to inactivating mutations in the X-linked GLA gene resulting in deficiency of the enzyme Alpha Galactosidase-A..

Submissions (4):

Genomenon, Inc
Classification: Pathogenic for Fabry disease. Last evaluated: 2026-09-08. Review status: criteria provided, single submitter. Criteria: Genomenon Sequence Variant Interpretation Standards - Updated. Collection method: curation. Allele origin: germline. Affected: yes.
Comment: GLA p.Ala135Val (c.404C>T) is a missense variant that changes the amino acid at codon 135 from Alanine to Valine. This variant has been observed in at least one proband with clinical features consistent with Fabry disease (PMID:32198894;32583479;22176145;29548035;20628902;15806320;30594474). At least one functional study has demonstrated a substantial alteration in protein function relative to the wild-type (PMID:32023956;32198894;27657681). This variant is located in a mutational hotspot and/or important functional domain. It is absent or not present at a significant frequency in gnomAD. In silico models predict that this variant is possibly or probably damaging. In conclusion, we classify GLA p.Ala135Val (c.404C>T) as a pathogenic variant.

Genome-Nilou Lab
Classification: Pathogenic for Fabry disease. Last evaluated: 2021-07-15. Review status: criteria provided, single submitter. Criteria: ACMG Guidelines, 2015. Collection method: clinical testing. Allele origin: germline. Affected: no.

Labcorp Genetics (formerly Invitae), Labcorp
Classification: Pathogenic for Fabry disease. Last evaluated: 2020-10-21. Review status: criteria provided, single submitter. Criteria: Invitae Variant Classification Sherloc (09022015). Collection method: clinical testing. Allele origin: germline.
Comment: This sequence change replaces alanine with valine at codon 135 of the GLA protein (p.Ala135Val). The alanine residue is moderately conserved and there is a small physicochemical difference between alanine and valine. This variant is not present in population databases (ExAC no frequency). This variant has been observed in individual(s) with Fabry disease (PMID: 23935525, 20628902, 15806320). ClinVar contains an entry for this variant (Variation ID: 632837). Experimental studies have shown that this variant affects GLA protein function (PMID: 23935525). For these reasons, this variant has been classified as Pathogenic.

Women's Health and Genetics/Laboratory Corporation of America, LabCorp
Classification: Pathogenic for Fabry disease. Last evaluated: 2018-08-14. Review status: criteria provided, single submitter. Criteria: LabCorp Variant Classification Summary - May 2015. Collection method: clinical testing. Allele origin: germline.
Comment: Variant summary: GLA c.404C>T (p.Ala135Val) results in a non-conservative amino acid change in the encoded protein sequence. Four of five in-silico tools predict a damaging effect of the variant on protein function. The variant was absent in 178758 control chromosomes. c.404C>T has been reported in the literature in individuals affected with classic Fabry Disease (Dobrovolny_2005, Hulkova_2010, Uceyler_2011). These data indicate that the variant is likely to be associated with disease. In addition, a functional study has shown the variant to result in <10% of wild-type in vitro enzyme activity (Lukas_2013). No clinical diagnostic laboratories have submitted clinical-significance assessments for this variant to ClinVar after 2014. Based on the evidence outlined above, the variant was classified as pathogenic.

Literature cited by the submitters: PubMed 32198894 (cited by Genomenon, Inc); PubMed 32583479 (cited by Genomenon, Inc); PubMed 22176145 (cited by Genomenon, Inc and Women's Health and Genetics/Laboratory Corporation of America, LabCorp); PubMed 29548035 (cited by Genomenon, Inc); PubMed 20628902 (cited by 3 submitters); PubMed 15806320 (cited by 3 submitters); PubMed 30594474 (cited by Genomenon, Inc); PubMed 32023956 (cited by Genomenon, Inc); PubMed 27657681 (cited by Genomenon, Inc); PubMed 23935525 (cited by Labcorp Genetics (formerly Invitae), Labcorp and Women's Health and Genetics/Laboratory Corporation of America, LabCorp); PubMed 15712228 (cited by Women's Health and Genetics/Laboratory Corporation of America, LabCorp).